The following is an entry in ClinVar:

ClinVar aggregate classification (germline): Conflicting classifications of pathogenicity. Review status: criteria provided, conflicting classifications (1 of 4 stars). 3 submissions from 3 submitters: Uncertain significance (1); Likely benign (1). 1 of the submissions does not count toward it. Last evaluated 2025-10-08.

Conditions:
PCNT-related disorder. Also called: PCNT-related condition.

Allele frequency attached by ClinVar (database versions not stated): gnomAD exomes 0.00005 and 0.00015; gnomAD 0.00006 and 0.00007; TOPMed 0.00010; ExAC 0.00016; 1000 Genomes Project 0.00040; 1000 Genomes Project 30x 0.00047.
gnomAD v4.1: 77 of 1,612,348 alleles (0.0048%); highest among the groups gnomAD compares: East Asian, 0.17%; no homozygotes.

Submissions (3):

Labcorp Genetics (formerly Invitae), Labcorp
Classification: Likely benign. Last evaluated: 2025-10-08. Review status: criteria provided, single submitter. Criteria: Invitae Variant Classification Sherloc (09022015). Collection method: clinical testing. Allele origin: germline.

Genetic Services Laboratory, University of Chicago
Classification: Uncertain significance. Last evaluated: 2016-10-03. Review status: criteria provided, single submitter. Criteria: ACMG Guidelines, 2015. Collection method: clinical testing. Allele origin: germline. Affected: no.

PreventionGenetics, part of Exact Sciences
Classification: Likely benign for PCNT-related condition. Last evaluated: 2024-05-29. Review status: no assertion criteria provided. Collection method: clinical testing. Allele origin: germline. Not counted in ClinVar's aggregate classification.
Comment: This variant is classified as likely benign based on ACMG/AMP sequence variant interpretation guidelines (Richards et al. 2015 PMID: 25741868, with internal and published modifications).

NM_006031.6(PCNT):c.9826C>T (p.His3276Tyr)

Gene: PCNT (pericentrin; plus strand). Cytogenetic location: 21q22.3.
Variant type: single nucleotide variant.
Coding change: c.9826C>T on transcript NM_006031.6 (MANE Select); coding-DNA position 9826, C replaced by T.
Protein change: p.His3276Tyr; replaces histidine 3276 with tyrosine.
Molecular consequence: missense variant.
Genome position (GRCh38, 1-based): chr21:46,443,935, C>T. VCF-style: chr21-46443935-C-T. GRCh37 (hg19) VCF-style: chr21-47863848-C-T.
Other names: c.9235C>T, p.His3079Tyr (NM_001315529.2); short protein forms H3276Y, H3079Y.
Identifiers: ClinVar variation 436238 (VCV000436238.14), dbSNP rs202170105, ClinGen allele CA10081483.